The following is an entry in ClinVar:

NM_000135.4(FANCA):c.549G>A (p.Trp183Ter)

Gene: FANCA (FA complementation group A; minus strand). Cytogenetic location: 16q24.3.
Variant type: single nucleotide variant.
Coding change: c.549G>A on transcript NM_000135.4 (MANE Select); coding-DNA position 549, G replaced by A.
Protein change: p.Trp183Ter; replaces tryptophan 183 with a stop codon.
Molecular consequence: nonsense.
Genome position (GRCh38, 1-based): chr16:89,808,341, C>T on the plus strand (G>A on the coding strand, the complement: FANCA is on the minus strand). VCF-style: chr16-89808341-C-T. GRCh37 (hg19) VCF-style: chr16-89874749-C-T.
Other names: c.549G>A (LRG_495t1); c.549G>A, p.Trp183Ter (NM_001018112.3, NM_001286167.3); c.453G>A, p.Trp151Ter (NM_001351830.2); short protein forms W183*, W151*.
Identifiers: ClinVar variation 554024 (VCV000554024.5), dbSNP rs758528624, ClinGen allele CA397479336.

ClinVar aggregate classification (germline): Pathogenic/Likely pathogenic. Review status: criteria provided, multiple submitters, no conflicts (2 of 4 stars). 4 submissions from 4 submitters: Pathogenic (2); Likely pathogenic (1). 1 of the submissions does not count toward it. Last evaluated 2024-02-15.

Conditions:
Fanconi anemia complementation group A (FANCA). Also called: FANCA-Related Fanconi Anemia; Fanconi anemia, group A. Identifiers: Orphanet 84, MedGen C3469521, MONDO:0009215, OMIM 227650.
Fanconi anemia (FA). Also called: Fanconi's anemia. Identifiers: Orphanet 84, MedGen C0015625, MeSH D005199, MONDO:0019391.

Submissions (4):

Fulgent Genetics
Classification: Likely pathogenic for Fanconi anemia complementation group A. Last evaluated: 2024-02-15. Review status: criteria provided, single submitter. Criteria: ACMG Guidelines, 2015. Collection method: clinical testing. Allele origin: germline.

Baylor Genetics
Classification: Pathogenic for Fanconi anemia complementation group A. Last evaluated: 2023-12-27. Review status: criteria provided, single submitter. Criteria: ACMG Guidelines, 2015. Collection method: clinical testing. Allele origin: unknown.

Women's Health and Genetics/Laboratory Corporation of America, LabCorp
Classification: Pathogenic for Fanconi anemia. Last evaluated: 2021-08-19. Review status: criteria provided, single submitter. Criteria: LabCorp Variant Classification Summary - May 2015. Collection method: clinical testing. Allele origin: germline.
Comment: Variant summary: FANCA c.549G>A (p.Trp183X) results in a premature termination codon, predicted to cause a truncation of the encoded protein or absence of the protein due to nonsense mediated decay, which are commonly known mechanisms for disease. Truncations downstream of this position have been classified as pathogenic by our laboratory. The variant was absent in 251424 control chromosomes (gnomAD). The variant (p.Trp183X) has been reported in the literature in individuals affected with Fanconi Anemia (De Rocco_2014). These data indicate that the variant may be associated with disease. To our knowledge, no experimental evidence demonstrating an impact on protein function has been reported. One ClinVar submitter (evaluation after 2014) cites the variant as pathogenic. Based on the evidence outlined above, the variant was classified as pathogenic.

Counsyl
Classification: Pathogenic for Fanconi anemia complementation group A. Last evaluated: 2017-09-24. Review status: no assertion criteria provided. Collection method: clinical testing. Allele origin: unknown. Not counted in ClinVar's aggregate classification.

Literature cited by the submitters: PubMed 24584348 (cited by Women's Health and Genetics/Laboratory Corporation of America, LabCorp and Counsyl); PubMed 31589614 (cited by Women's Health and Genetics/Laboratory Corporation of America, LabCorp); PubMed 29269525 (cited by Women's Health and Genetics/Laboratory Corporation of America, LabCorp).